The following is an entry in ClinVar:

NM_004304.5(ALK):c.1820T>A (p.Phe607Tyr)

Gene: ALK (ALK receptor tyrosine kinase; minus strand). Cytogenetic location: 2p23.2.
Variant type: single nucleotide variant.
Coding change: c.1820T>A on transcript NM_004304.5 (MANE Select); coding-DNA position 1820, T replaced by A.
Protein change: p.Phe607Tyr; replaces phenylalanine 607 with tyrosine.
Molecular consequence: missense variant.
Genome position (GRCh38, 1-based): chr2:29,275,494, A>T on the plus strand (T>A on the coding strand, the complement: ALK is on the minus strand). VCF-style: chr2-29275494-A-T. GRCh37 (hg19) VCF-style: chr2-29498360-A-T.
Other names: short protein forms F607Y.
Identifiers: ClinVar variation 470776 (VCV000470776.15), dbSNP rs1304239235, ClinGen allele CA346480055.

ClinVar aggregate classification (germline): Uncertain significance. Review status: criteria provided, multiple submitters, no conflicts (2 of 4 stars). 3 submissions from 3 submitters: Uncertain significance (3). Last evaluated 2024-12-23.

Conditions:
Hereditary cancer-predisposing syndrome. Also called: Hereditary neoplastic syndrome; Neoplastic Syndromes, Hereditary; Tumor predisposition; Hereditary Cancer Syndrome. Identifiers: Orphanet 140162, MedGen C0027672, MeSH D009386, MONDO:0015356.
Neuroblastoma, susceptibility to, 3. Also called: ALK-Related Neuroblastic Tumor Susceptibility. Identifiers: Orphanet 635, MedGen C2751681, MONDO:0013083, OMIM 613014.

Allele frequency attached by ClinVar (database versions not stated): gnomAD exomes below 0.00001.
gnomAD v4.1: 16 of 1,614,058 alleles (0.00099%); highest among the groups gnomAD compares: African/African-American, 0.0013%; no homozygotes.

Submissions (3):

Ambry Genetics
Classification: Uncertain significance for Hereditary cancer-predisposing syndrome. Last evaluated: 2024-12-23. Review status: criteria provided, single submitter. Criteria: Ambry Variant Classification Scheme 2023. Collection method: clinical testing. Allele origin: germline.
Comment: The p.F607Y variant (also known as c.1820T>A), located in coding exon 10 of the ALK gene, results from a T to A substitution at nucleotide position 1820. The phenylalanine at codon 607 is replaced by tyrosine, an amino acid with highly similar properties. This amino acid position is conserved. In addition, this alteration is predicted to be tolerated by in silico analysis. Since supporting evidence is limited at this time, the clinical significance of this alteration remains unclear.

Labcorp Genetics (formerly Invitae), Labcorp
Classification: Uncertain significance for Neuroblastoma, susceptibility to, 3. Last evaluated: 2024-11-17. Review status: criteria provided, single submitter. Criteria: Invitae Variant Classification Sherloc (09022015). Collection method: clinical testing. Allele origin: germline.
Comment: This sequence change replaces phenylalanine, which is neutral and non-polar, with tyrosine, which is neutral and polar, at codon 607 of the ALK protein (p.Phe607Tyr). This variant is present in population databases (no rsID available, gnomAD 0.0009%). This variant has not been reported in the literature in individuals affected with ALK-related conditions. ClinVar contains an entry for this variant (Variation ID: 470776). An algorithm developed to predict the effect of missense changes on protein structure and function (PolyPhen-2) suggests that this variant is likely to be disruptive. In summary, the available evidence is currently insufficient to determine the role of this variant in disease. Therefore, it has been classified as a Variant of Uncertain Significance.

GeneDx
Classification: Uncertain significance. Last evaluated: 2024-01-28. Review status: criteria provided, single submitter. Criteria: GeneDx Variant Classification Process June 2021. Collection method: clinical testing. Allele origin: germline. Affected: yes.
Comment: Not observed at significant frequency in large population cohorts (gnomAD); In silico analysis supports that this missense variant does not alter protein structure/function; Has not been previously published as pathogenic or benign to our knowledge